The following is an entry in ClinVar:

NM_000066.4(C8B):c.1591G>A (p.Gly531Ser)

Gene: C8B (complement C8 beta chain; minus strand). Cytogenetic location: 1p32.2.
Variant type: single nucleotide variant.
Coding change: c.1591G>A on transcript NM_000066.4 (MANE Select); coding-DNA position 1591, G replaced by A.
Protein change: p.Gly531Ser; replaces glycine 531 with serine.
Molecular consequence: missense variant.
Genome position (GRCh38, 1-based): chr1:56,931,840, C>T on the plus strand (G>A on the coding strand, the complement: C8B is on the minus strand). VCF-style: chr1-56931840-C-T. GRCh37 (hg19) VCF-style: chr1-57397513-C-T.
Other names: c.1435G>A, p.Gly479Ser (NM_001278543.2); c.1405G>A, p.Gly469Ser (NM_001278544.2); short protein forms G469S, G479S, G531S.
Identifiers: ClinVar variation 2101895 (VCV002101895.4), dbSNP rs1174320543, ClinGen allele CA340519866.

ClinVar aggregate classification (germline): Uncertain significance (1 of 4 stars; one submission).

Allele frequency attached by ClinVar (database versions not stated): gnomAD 0.00001.
gnomAD v4.1: 1 of 1,612,326 alleles (0.000062%); highest among the groups gnomAD compares: African/African-American, 0.0013%; no homozygotes.

Submission:

Labcorp Genetics (formerly Invitae), Labcorp
Classification: Uncertain significance. Last evaluated: 2022-08-19. Review status: criteria provided, single submitter. Criteria: Invitae Variant Classification Sherloc (09022015). Collection method: clinical testing. Allele origin: germline.
Comment: This variant is present in population databases (no rsID available, gnomAD 0.01%). This sequence change replaces glycine, which is neutral and non-polar, with serine, which is neutral and polar, at codon 531 of the C8B protein (p.Gly531Ser). This variant has not been reported in the literature in individuals affected with C8B-related conditions. Algorithms developed to predict the effect of missense changes on protein structure and function are either unavailable or do not agree on the potential impact of this missense change (SIFT: "Deleterious"; PolyPhen-2: "Probably Damaging"; Align-GVGD: "Class C0"). In summary, the available evidence is currently insufficient to determine the role of this variant in disease. Therefore, it has been classified as a Variant of Uncertain Significance.